The following is an entry in ClinVar:

NM_001148.6(ANK2):c.6587G>A (p.Gly2196Asp)

Gene: ANK2 (ankyrin 2; plus strand). Cytogenetic location: 4q26.
Variant type: single nucleotide variant.
Coding change: c.6587G>A on transcript NM_001148.6 (MANE Select); coding-DNA position 6587, G replaced by A.
Protein change: p.Gly2196Asp; replaces glycine 2196 with aspartic acid.
Molecular consequence: missense variant. On other transcripts: intron variant (68).
Genome position (GRCh38, 1-based): chr4:113,355,205, G>A. VCF-style: chr4-113355205-G-A. GRCh37 (hg19) VCF-style: chr4-114276361-G-A.
Other names: c.6353G>A, p.Gly2118Asp (NM_001386142.1); c.2987G>A, p.Gly996Asp (NM_001386166.1); c.6728G>A, p.Gly2243Asp (NM_001386174.1); c.6704G>A, p.Gly2235Asp (NM_001386175.1); c.4411+4956G>A (NM_001386186.2, NM_001386148.2); c.4213+4956G>A (NM_001354269.3); c.4291+4956G>A (NM_001386187.2); c.4252+4956G>A (NM_001386147.1); and 35 more; short protein forms G2118D, G2196D, G2235D, G2243D, G996D.
Identifiers: ClinVar variation 3050162 (VCV003050162.2), dbSNP rs969552950, ClinGen allele CA103813553.

ClinVar aggregate classification (germline): Uncertain significance (0 of 4 stars; one submission).

Conditions:
ANK2-related disorder. Also called: ANK2-related condition.

Allele frequency attached by ClinVar (database versions not stated): gnomAD 0.00001; TOPMed 0.00001.
gnomAD v4.1: 3 of 1,613,980 alleles (0.00019%); highest among the groups gnomAD compares: African/African-American, 0.0013%; no homozygotes.

Submission:

PreventionGenetics, part of Exact Sciences
Classification: Uncertain significance for ANK2-related condition. Last evaluated: 2024-02-29. Review status: no assertion criteria provided. Collection method: clinical testing. Allele origin: germline.
Comment: The ANK2 c.6587G>A variant is predicted to result in the amino acid substitution p.Gly2196Asp. To our knowledge, this variant has not been reported in the literature or in a large population database, indicating this variant is rare. At this time, the clinical significance of this variant is uncertain due to the absence of conclusive functional and genetic evidence.